The following is an entry in ClinVar:

ClinVar aggregate classification (germline): Uncertain significance. Review status: criteria provided, multiple submitters, no conflicts (2 of 4 stars). 4 submissions from 4 submitters: Uncertain significance (4). Last evaluated 2025-06-12.

Conditions:
VPS33B-related disorder. Also called: VPS33B-related condition.
Inborn genetic diseases. Identifiers: MedGen C0950123, MeSH D030342.

Allele frequency attached by ClinVar (database versions not stated): TOPMed 0.00003; 1000 Genomes Project 30x 0.00016; 1000 Genomes Project 0.00020.
gnomAD v4.1: 48 of 1,614,144 alleles (0.003%); highest among the groups gnomAD compares: South Asian, 0.04%; no homozygotes.

Submissions (4):

Labcorp Genetics (formerly Invitae), Labcorp
Classification: Uncertain significance. Last evaluated: 2025-06-12. Review status: criteria provided, single submitter. Criteria: Invitae Variant Classification Sherloc (09022015). Collection method: clinical testing. Allele origin: germline.
Comment: This sequence change replaces threonine, which is neutral and polar, with methionine, which is neutral and non-polar, at codon 599 of the VPS33B protein (p.Thr599Met). This variant is present in population databases (rs576626726, gnomAD 0.05%). This variant has not been reported in the literature in individuals affected with VPS33B-related conditions. ClinVar contains an entry for this variant (Variation ID: 1810479). Invitae Evidence Modeling of protein sequence and biophysical properties (such as structural, functional, and spatial information, amino acid conservation, physicochemical variation, residue mobility, and thermodynamic stability) indicates that this missense variant is expected to disrupt VPS33B protein function with a positive predictive value of 80%. In summary, the available evidence is currently insufficient to determine the role of this variant in disease. Therefore, it has been classified as a Variant of Uncertain Significance.

PreventionGenetics, part of Exact Sciences
Classification: Uncertain significance for VPS33B-related condition. Last evaluated: 2025-05-15. Review status: criteria provided, single submitter. Criteria: ACMG Guidelines, 2015. Collection method: clinical testing. Allele origin: germline.
Comment: The VPS33B c.1796C>T variant is predicted to result in the amino acid substitution p.Thr599Met. To our knowledge, this variant has not been reported in the literature. This variant is reported in 0.043% of alleles in individuals of South Asian descent in gnomAD. At this time, the clinical significance of this variant is uncertain due to the absence of conclusive functional and genetic evidence.

Ambry Genetics
Classification: Uncertain significance for Inborn genetic diseases. Last evaluated: 2023-08-15. Review status: criteria provided, single submitter. Criteria: Ambry Variant Classification Scheme 2023. Collection method: clinical testing. Allele origin: germline.

GeneDx
Classification: Uncertain significance. Last evaluated: 2022-06-27. Review status: criteria provided, single submitter. Criteria: GeneDx Variant Classification Process June 2021. Collection method: clinical testing. Allele origin: germline. Affected: yes.
Comment: Has not been previously published as pathogenic or benign to our knowledge; In silico analysis supports that this missense variant has a deleterious effect on protein structure/function

NM_018668.5(VPS33B):c.1796C>T (p.Thr599Met)

Gene: VPS33B (VPS33B late endosome and lysosome associated; minus strand). Cytogenetic location: 15q26.1.
Variant type: single nucleotide variant.
Coding change: c.1796C>T on transcript NM_018668.5 (MANE Select); coding-DNA position 1796, C replaced by T.
Protein change: p.Thr599Met; replaces threonine 599 with methionine.
Molecular consequence: missense variant.
Genome position (GRCh38, 1-based): chr15:90,999,033, G>A on the plus strand (C>T on the coding strand, the complement: VPS33B is on the minus strand). VCF-style: chr15-90999033-G-A. GRCh37 (hg19) VCF-style: chr15-91542263-G-A.
Other names: c.1715C>T, p.Thr572Met (NM_001289148.1); c.1523C>T, p.Thr508Met (NM_001289149.1); short protein forms T508M, T599M, T572M.
Identifiers: ClinVar variation 1810479 (VCV001810479.6), dbSNP rs576626726, ClinGen allele CA7744498.